The following is an entry in ClinVar:

NM_001845.6(COL4A1):c.2414G>A (p.Gly805Glu)

Gene: COL4A1 (collagen type IV alpha 1 chain; minus strand). Cytogenetic location: 13q34.
Variant type: single nucleotide variant.
Coding change: c.2414G>A on transcript NM_001845.6 (MANE Select); coding-DNA position 2414, G replaced by A.
Protein change: p.Gly805Glu; replaces glycine 805 with glutamic acid.
Molecular consequence: missense variant.
Genome position (GRCh38, 1-based): chr13:110,178,967, C>T on the plus strand (G>A on the coding strand, the complement: COL4A1 is on the minus strand). VCF-style: chr13-110178967-C-T. GRCh37 (hg19) VCF-style: chr13-110831314-C-T.
Other names: short protein forms G805E.
Identifiers: ClinVar variation 1514833 (VCV001514833.6), dbSNP rs868858094, ClinGen allele CA256259304.

ClinVar aggregate classification (germline): Pathogenic (1 of 4 stars; one submission).

Submission:

Labcorp Genetics (formerly Invitae), Labcorp
Classification: Pathogenic. Last evaluated: 2023-10-13. Review status: criteria provided, single submitter. Criteria: Invitae Variant Classification Sherloc (09022015). Collection method: clinical testing. Allele origin: germline.
Comment: This sequence change replaces glycine, which is neutral and non-polar, with glutamic acid, which is acidic and polar, at codon 805 of the COL4A1 protein (p.Gly805Glu). This variant is not present in population databases (gnomAD no frequency). This missense change has been observed in individual(s) with clinical features of COL4A1-related conditions (Invitae). In at least one individual the variant was observed to be de novo. ClinVar contains an entry for this variant (Variation ID: 1514833). An algorithm developed to predict the effect of missense changes on protein structure and function (PolyPhen-2) suggests that this variant is likely to be tolerated. This variant disrupts the triple helix domain of COL4A1. Glycine residues within the Gly-Xaa-Yaa repeats of the triple helix domain are required for the structure and stability of fibrillar collagens (PMID: 7695699, 8218237, 19344236). In COL4A1 variants affecting these glycine residues are significantly enriched in individuals with disease (PMID: 9016532, 17078022) compared to the general population (ExAC). For these reasons, this variant has been classified as Pathogenic.

Literature cited by the submitters: PubMed 7695699; PubMed 8218237; PubMed 19344236; PubMed 9016532; PubMed 17078022.